The following is an entry in ClinVar:

NM_001382567.1(STIM1):c.692A>G (p.Tyr231Cys)

Gene: STIM1 (stromal interaction molecule 1; plus strand). Cytogenetic location: 11p15.4.
Variant type: single nucleotide variant.
Coding change: c.692A>G on transcript NM_001382567.1 (MANE Select); coding-DNA position 692, A replaced by G.
Protein change: p.Tyr231Cys; replaces tyrosine 231 with cysteine.
Molecular consequence: missense variant. On other transcripts: non-coding transcript variant (2).
Genome position (GRCh38, 1-based): chr11:4,070,104, A>G. VCF-style: chr11-4070104-A-G. GRCh37 (hg19) VCF-style: chr11-4091334-A-G.
Other names: c.692A>G, p.Tyr231Cys (NM_001277961.3, NM_001277962.2, NM_001382568.1 and 2 more transcripts); c.470A>G, p.Tyr157Cys (NM_001382566.1, NM_001382573.1, NM_001382574.1 and 5 more transcripts); c.557A>G, p.Tyr186Cys (NM_001382569.1); c.464A>G, p.Tyr155Cys (NM_001382570.1); c.212A>G, p.Tyr71Cys (NM_001382571.1); c.203A>G, p.Tyr68Cys (NM_001382580.1, NM_001382581.1); short protein forms Y155C, Y157C, Y186C, Y231C, Y68C, Y71C.
Identifiers: ClinVar variation 1685151 (VCV001685151.3), dbSNP rs765230033, ClinGen allele CA379486122.

ClinVar aggregate classification (germline): Uncertain significance. Review status: criteria provided, multiple submitters, no conflicts (2 of 4 stars). 2 submissions from 2 submitters: Uncertain significance (2). Last evaluated 2024-08-31.

Conditions:
Combined immunodeficiency due to STIM1 deficiency. Also called: IMMUNODEFICIENCY 10; STIM1 DEFICIENCY. Identifiers: Orphanet 169090, Orphanet 317430, MedGen C2748557, MONDO:0013008, OMIM 612783.
Myopathy with tubular aggregates (TAM). Also called: Tubular Aggregate Myopathy. Identifiers: Orphanet 2593, MedGen C0410207, MONDO:0008051.
Stormorken syndrome (STRMK). Also called: THROMBOCYTOPATHY, ASPLENIA, AND MIOSIS. Identifiers: Orphanet 3204, MedGen C1861451, MONDO:0008497, OMIM 185070.

gnomAD v4.1: 4 of 1,614,176 alleles (0.00025%); highest among the groups gnomAD compares: East Asian, 0.0022%; no homozygotes.

Submissions (2):

Labcorp Genetics (formerly Invitae), Labcorp
Classification: Uncertain significance for Myopathy with tubular aggregates; Combined immunodeficiency due to STIM1 deficiency; Stormorken syndrome. Last evaluated: 2024-08-31. Review status: criteria provided, single submitter. Criteria: Invitae Variant Classification Sherloc (09022015). Collection method: clinical testing. Allele origin: germline.
Comment: This sequence change replaces tyrosine, which is neutral and polar, with cysteine, which is neutral and slightly polar, at codon 231 of the STIM1 protein (p.Tyr231Cys). This variant is not present in population databases (gnomAD no frequency). This variant has not been reported in the literature in individuals affected with STIM1-related conditions. ClinVar contains an entry for this variant (Variation ID: 1685151). Invitae Evidence Modeling of protein sequence and biophysical properties (such as structural, functional, and spatial information, amino acid conservation, physicochemical variation, residue mobility, and thermodynamic stability) has been performed for this missense variant. However, the output from this modeling did not meet the statistical confidence thresholds required to predict the impact of this variant on STIM1 protein function. In summary, the available evidence is currently insufficient to determine the role of this variant in disease. Therefore, it has been classified as a Variant of Uncertain Significance.

Mendelics
Classification: Uncertain significance. Last evaluated: 2022-05-04. Review status: criteria provided, single submitter. Criteria: Mendelics Assertion Criteria 2019. Collection method: clinical testing. Allele origin: germline.